The following is an entry in ClinVar:

ClinVar aggregate classification (germline): Likely benign (1 of 4 stars; one submission).

Conditions:
Desmosterolosis. Identifiers: Orphanet 35107, MedGen C1865596, MONDO:0011217, OMIM 602398.

Allele frequency attached by ClinVar (database versions not stated): gnomAD 0.00215 and 0.00232; TOPMed 0.00246; 1000 Genomes Project 30x 0.00250; 1000 Genomes Project 0.00280.

Submission:

Illumina Laboratory Services, Illumina
Classification: Likely benign for Desmosterolosis. Last evaluated: 2018-01-13. Review status: criteria provided, single submitter. Criteria: ICSL Variant Classification Criteria 13 December 2019. Collection method: clinical testing. Allele origin: germline.
Comment: This variant was observed in the ICSL laboratory as part of a predisposition screen in an ostensibly healthy population. It had not been previously curated by ICSL or reported in the Human Gene Mutation Database (HGMD: prior to June 1st, 2018), and was therefore a candidate for classification through an automated scoring system. Utilizing variant allele frequency, disease prevalence and penetrance estimates, and inheritance mode, an automated score was calculated to assess if this variant is too frequent to cause the disease. Based on the score and internal cut-off values, a variant classified as likely benign is not then subjected to further curation. The score for this variant resulted in a classification of likely benign for this disease.

NM_014762.4(DHCR24):c.*718G>A

Gene: DHCR24 (24-dehydrocholesterol reductase; minus strand). Cytogenetic location: 1p32.3.
Variant type: single nucleotide variant.
Coding change: c.*718G>A on transcript NM_014762.4 (MANE Select); 718 bases downstream of the stop codon, G replaced by A.
Molecular consequence: 3 prime UTR variant.
Genome position (GRCh38, 1-based): chr1:54,851,515, C>T on the plus strand (G>A on the coding strand, the complement: DHCR24 is on the minus strand). VCF-style: chr1-54851515-C-T. GRCh37 (hg19) VCF-style: chr1-55317188-C-T.
Identifiers: ClinVar variation 297636 (VCV000297636.5), dbSNP rs74072035, ClinGen allele CA10610125.